The following is an entry in ClinVar:

ClinVar aggregate classification (germline): Likely benign (1 of 4 stars; one submission).

gnomAD v4.1: 1,230 of 1,611,902 alleles (0.076%); highest among the groups gnomAD compares: Non-Finnish European, 0.087%; no homozygotes.

Submission:

CeGaT Center for Human Genetics Tuebingen
Classification: Likely benign. Last evaluated: 2025-06-01. Review status: criteria provided, single submitter. Criteria: CeGaT Center For Human Genetics Tuebingen Variant Classification Criteria Version 2. Collection method: clinical testing. Allele origin: germline. Affected: yes. Observed: 1 variant allele.
Comment: RICTOR: BP4, BP7

NM_152756.5(RICTOR):c.4179T>C (p.Asp1393=)

Gene: RICTOR (RPTOR independent companion of MTOR complex 2; minus strand). Cytogenetic location: 5p13.1.
Variant type: single nucleotide variant.
Coding change: c.4179T>C on transcript NM_152756.5 (MANE Select); coding-DNA position 4179, T replaced by C.
Protein change: p.Asp1393=; no amino-acid change (aspartic acid 1393 retained).
Molecular consequence: synonymous variant.
Genome position (GRCh38, 1-based): chr5:38,947,399, A>G on the plus strand (T>C on the coding strand, the complement: RICTOR is on the minus strand). VCF-style: chr5-38947399-A-G. GRCh37 (hg19) VCF-style: chr5-38947501-A-G.
Other names: c.4251T>C, p.Asp1417= (NM_001285439.2); c.3324T>C, p.Asp1108= (NM_001285440.2).
Identifiers: ClinVar variation 3904930 (VCV003904930.10).